The following is an entry in ClinVar:

NM_001164665.2(KIAA1549):c.913G>T (p.Gly305Trp)

Gene: KIAA1549 (KIAA1549; minus strand). Cytogenetic location: 7q34.
Variant type: single nucleotide variant.
Coding change: c.913G>T on transcript NM_001164665.2 (MANE Select); coding-DNA position 913, G replaced by T.
Protein change: p.Gly305Trp; replaces glycine 305 with tryptophan.
Molecular consequence: missense variant.
Genome position (GRCh38, 1-based): chr7:138,918,713, C>A on the plus strand (G>T on the coding strand, the complement: KIAA1549 is on the minus strand). VCF-style: chr7-138918713-C-A. GRCh37 (hg19) VCF-style: chr7-138603459-C-A.
Other names: c.913G>T, p.Gly305Trp (NM_020910.3); short protein forms G305W.
Identifiers: ClinVar variation 1045000 (VCV001045000.7), dbSNP rs761267287, ClinGen allele CA4506831.

ClinVar aggregate classification (germline): Conflicting classifications of pathogenicity. Review status: criteria provided, conflicting classifications (1 of 4 stars). 2 submissions from 2 submitters: Uncertain significance (1); Likely benign (1). Last evaluated 2022-03-05.

Allele frequency attached by ClinVar (database versions not stated): gnomAD 0.00004 and 0.00005; TOPMed 0.00004.
gnomAD v4.1: 89 of 1,613,722 alleles (0.0055%); highest among the groups gnomAD compares: Non-Finnish European, 0.0067%; no homozygotes.

Submissions (2):

Labcorp Genetics (formerly Invitae), Labcorp
Classification: Uncertain significance. Last evaluated: 2022-03-05. Review status: criteria provided, single submitter. Criteria: Invitae Variant Classification Sherloc (09022015). Collection method: clinical testing. Allele origin: germline.
Comment: This variant has not been reported in the literature in individuals affected with KIAA1549-related conditions. ClinVar contains an entry for this variant (Variation ID: 1045000). Algorithms developed to predict the effect of missense changes on protein structure and function output the following: SIFT: "Tolerated"; PolyPhen-2: "Benign"; Align-GVGD: "Class C0". The tryptophan amino acid residue is found in multiple mammalian species, which suggests that this missense change does not adversely affect protein function. In summary, the available evidence is currently insufficient to determine the role of this variant in disease. Therefore, it has been classified as a Variant of Uncertain Significance. The frequency data for this variant in the population databases is considered unreliable, as metrics indicate poor data quality at this position in the gnomAD database. This sequence change replaces glycine, which is neutral and non-polar, with tryptophan, which is neutral and slightly polar, at codon 305 of the KIAA1549 protein (p.Gly305Trp).

Blueprint Genetics
Classification: Likely benign. Last evaluated: 2021-12-20. Review status: criteria provided, single submitter. Criteria: ACMG Guidelines, 2015. Collection method: clinical testing. Allele origin: germline.